The following is an entry in ClinVar:

ClinVar aggregate classification (germline): Uncertain significance (1 of 4 stars; one submission).

Conditions:
Dystonia 12 (DYT12). Also called: DYT-ATP1A3; Rapid-Onset Dystonia-Parkinsonism (RDP). Identifiers: Orphanet 71517, MedGen C1868681, MONDO:0007496, OMIM 128235.

gnomAD v4.1: 1 of 1,614,192 alleles (0.000062%); highest among the groups gnomAD compares: Non-Finnish European, 0.000085%; no homozygotes.

Submission:

Labcorp Genetics (formerly Invitae), Labcorp
Classification: Uncertain significance for Dystonia 12. Last evaluated: 2020-03-10. Review status: criteria provided, single submitter. Criteria: Invitae Variant Classification Sherloc (09022015). Collection method: clinical testing. Allele origin: germline.
Comment: In summary, the available evidence is currently insufficient to determine the role of this variant in disease. Therefore, it has been classified as a Variant of Uncertain Significance. Algorithms developed to predict the effect of missense changes on protein structure and function output the following: SIFT: "Tolerated"; PolyPhen-2: "Benign"; Align-GVGD: "Class C0". The aspartic acid amino acid residue is found in multiple mammalian species, suggesting that this missense change does not adversely affect protein function. These predictions have not been confirmed by published functional studies and their clinical significance is uncertain. This variant has not been reported in the literature in individuals with ATP1A3-related conditions. This variant is not present in population databases (ExAC no frequency). This sequence change replaces glutamic acid with aspartic acid at codon 18 of the ATP1A3 protein (p.Glu18Asp). The glutamic acid residue is weakly conserved and there is a small physicochemical difference between glutamic acid and aspartic acid.

NM_152296.5(ATP1A3):c.54G>C (p.Glu18Asp)

Gene: ATP1A3 (ATPase Na+/K+ transporting subunit alpha 3; minus strand). Cytogenetic location: 19q13.2.
Variant type: single nucleotide variant.
Coding change: c.54G>C on transcript NM_152296.5 (MANE Select); coding-DNA position 54, G replaced by C.
Protein change: p.Glu18Asp; replaces glutamic acid 18 with aspartic acid.
Molecular consequence: missense variant.
Genome position (GRCh38, 1-based): chr19:41,988,515, C>G on the plus strand (G>C on the coding strand, the complement: ATP1A3 is on the minus strand). VCF-style: chr19-41988515-C-G. GRCh37 (hg19) VCF-style: chr19-42492667-C-G.
Other names: c.87G>C, p.Glu29Asp (NM_001256213.2); c.93G>C, p.Glu31Asp (NM_001256214.2); short protein forms E31D, E18D, E29D.
Identifiers: ClinVar variation 1045846 (VCV001045846.8), dbSNP rs541121307, ClinGen allele CA406057824.